The following is an entry in ClinVar:

NM_000222.3(KIT):c.1621A>T (p.Met541Leu)

Gene: KIT (KIT proto-oncogene, receptor tyrosine kinase; plus strand). Cytogenetic location: 4q12.
Variant type: single nucleotide variant.
Coding change: c.1621A>T on transcript NM_000222.3 (MANE Select); coding-DNA position 1621, A replaced by T.
Protein change: p.Met541Leu; replaces methionine 541 with leucine.
Molecular consequence: missense variant.
Genome position (GRCh38, 1-based): chr4:54,727,298, A>T. VCF-style: chr4-54727298-A-T. GRCh37 (hg19) VCF-style: chr4-55593464-A-T.
Other names: c.1609A>T, p.Met537Leu (NM_001093772.2, NM_001385286.1); c.1624A>T, p.Met542Leu (NM_001385284.1, NM_001385290.1); c.1621A>T, p.Met541Leu (NM_001385285.1); c.1612A>T, p.Met538Leu (NM_001385288.1, NM_001385292.1); short protein forms M537L, M541L, M538L, M542L.
Identifiers: ClinVar variation 715131 (VCV000715131.17), dbSNP rs3822214, ClinGen allele CA356907339.
Genomic context (GRCh38, chr4:54,727,298, plus strand): 5'-CTGTTCACTCCTTTGCTGATTGGTTTCGTAATCGTAGCTGGCATGATGTGCATTATTGTG[A>T]TGATTCTGACCTACAAATATTTACAGGTAACCATTTATTTGTTCTCTCTCCAGAGTGCTC-3'
Protein context (NP_000213.1, residues 531-551): IVAGMMCIIV[Met541Leu]ILTYKYLQKP

ClinVar aggregate classification (germline): Conflicting classifications of pathogenicity. Review status: criteria provided, conflicting classifications (1 of 4 stars). 4 submissions from 4 submitters: Uncertain significance (1); Benign (1); Likely benign (2). Last evaluated 2026-04-16.

Conditions:
Hereditary cancer-predisposing syndrome. Also called: Neoplastic Syndromes, Hereditary; Hereditary Cancer Syndrome; Hereditary neoplastic syndrome; Tumor predisposition. Identifiers: Orphanet 140162, MedGen C0027672, MeSH D009386, MONDO:0015356.
Gastrointestinal stromal tumor. Also called: Gastrointestinal stromal tumor, somatic; Gastrointestinal stroma tumor. Identifiers: Orphanet 44890, MedGen C0238198, MeSH D046152, MONDO:0011719, OMIM 606764, HP:0100723.

gnomAD v4.1: 18 of 1,614,054 alleles (0.0011%); highest among the groups gnomAD compares: Non-Finnish European, 0.0015%; no homozygotes.

Submissions (4):

Myriad Genetics, Inc.
Classification: Benign for Gastrointestinal stromal tumor. Last evaluated: 2026-04-16. Review status: criteria provided, single submitter. Criteria: Myriad Autosomal Dominant, Autosomal Recessive and X-Linked Classification Criteria (2023). Collection method: clinical testing. Allele origin: unknown.
Comment: This variant is considered benign. This variant has been observed at a population frequency that is significantly greater than expected given the associated disease prevalence and penetrance.

Labcorp Genetics (formerly Invitae), Labcorp
Classification: Likely benign for Gastrointestinal stromal tumor. Last evaluated: 2026-01-27. Review status: criteria provided, single submitter. Criteria: Invitae Variant Classification Sherloc (09022015). Collection method: clinical testing. Allele origin: germline.

GeneDx
Classification: Uncertain significance. Last evaluated: 2022-10-13. Review status: criteria provided, single submitter. Criteria: GeneDx Variant Classification Process June 2021. Collection method: clinical testing. Allele origin: germline. Affected: yes.
Comment: Not observed at significant frequency in large population cohorts (gnomAD); In silico analysis supports that this missense variant does not alter protein structure/function; Observed in individuals with piebaldism (Murakami et al., 2004; Bondanza et al., 2007); This variant is associated with the following publications: (PMID: 17124503, 15194144)

Ambry Genetics
Classification: Likely benign for Hereditary cancer-predisposing syndrome. Last evaluated: 2019-07-27. Review status: criteria provided, single submitter. Criteria: Ambry Variant Classification Scheme 2023. Collection method: clinical testing. Allele origin: germline.